The following is an entry in ClinVar:

ClinVar aggregate classification (germline): Uncertain significance (1 of 4 stars; one submission).

Conditions:
Hereditary spastic paraplegia 30. Identifiers: Orphanet 101010, MedGen C5235139, MONDO:0012476.
Neuropathy, hereditary sensory, type 2C. Also called: Hereditary sensory and autonomic neuropathy type IIC; KIF1A-Related HSAN2 (HSAN2C). Identifiers: Orphanet 970, MedGen C3280168, MONDO:0013634, OMIM 614213.
Intellectual disability, autosomal dominant 9 (NESCAVS). Also called: NESCAV SYNDROME; KIF1A-Related Neurodevelopmental Disorder. Identifiers: Orphanet 662367, MedGen C5393830, MONDO:0013656, OMIM 614255.

Allele frequency attached by ClinVar (database versions not stated): gnomAD exomes below 0.00001.
gnomAD v4.1: 2 of 1,611,800 alleles (0.00012%); highest among the groups gnomAD compares: Non-Finnish European, 0.000085%; no homozygotes.

Submission:

Labcorp Genetics (formerly Invitae), Labcorp
Classification: Uncertain significance for Hereditary spastic paraplegia 30; Neuropathy, hereditary sensory, type 2C; Intellectual disability, autosomal dominant 9. Last evaluated: 2024-08-22. Review status: criteria provided, single submitter. Criteria: Invitae Variant Classification Sherloc (09022015). Collection method: clinical testing. Allele origin: germline.
Comment: This sequence change replaces serine, which is neutral and polar, with glycine, which is neutral and non-polar, at codon 825 of the KIF1A protein (p.Ser825Gly). This variant is not present in population databases (gnomAD no frequency). This variant has not been reported in the literature in individuals affected with KIF1A-related conditions. ClinVar contains an entry for this variant (Variation ID: 2052451). Invitae Evidence Modeling of protein sequence and biophysical properties (such as structural, functional, and spatial information, amino acid conservation, physicochemical variation, residue mobility, and thermodynamic stability) has been performed for this missense variant. However, the output from this modeling did not meet the statistical confidence thresholds required to predict the impact of this variant on KIF1A protein function. In summary, the available evidence is currently insufficient to determine the role of this variant in disease. Therefore, it has been classified as a Variant of Uncertain Significance.

NM_001244008.2(KIF1A):c.2500A>G (p.Ser834Gly)

Gene: KIF1A (kinesin family member 1A; minus strand). Cytogenetic location: 2q37.3.
Variant type: single nucleotide variant.
Coding change: c.2500A>G on transcript NM_001244008.2 (MANE Select); coding-DNA position 2500, A replaced by G.
Protein change: p.Ser834Gly; replaces serine 834 with glycine.
Molecular consequence: missense variant.
Genome position (GRCh38, 1-based): chr2:240,758,442, T>C on the plus strand (A>G on the coding strand, the complement: KIF1A is on the minus strand). VCF-style: chr2-240758442-T-C. GRCh37 (hg19) VCF-style: chr2-241697859-T-C.
Other names: c.2500A>G, p.Ser834Gly (NM_001320705.2, NM_001330289.2, NM_001379638.1); c.2575A>G, p.Ser859Gly (NM_001330290.2, NM_001379631.1, NM_001379634.1 and 2 more transcripts); c.2473A>G, p.Ser825Gly (NM_001379632.1, NM_001379633.1, NM_001379636.1 and 11 more transcripts); c.2548A>G, p.Ser850Gly (NM_001379637.1, NM_001379648.1); short protein forms S850G, S825G, S834G, S859G.
Identifiers: ClinVar variation 2052451 (VCV002052451.4), dbSNP rs2537537484, ClinGen allele CA351323809.